The following is an entry in ClinVar:

ClinVar aggregate classification (germline): Uncertain significance (1 of 4 stars; one submission).

Conditions:
Cardiovascular phenotype. Identifiers: MedGen CN230736.

Allele frequency attached by ClinVar (database versions not stated): gnomAD exomes below 0.00001.
gnomAD v4.1: 2 of 1,612,938 alleles (0.00012%); highest among the groups gnomAD compares: Non-Finnish European, 0.00017%; no homozygotes.

Submission:

Ambry Genetics
Classification: Uncertain significance for Cardiovascular phenotype. Last evaluated: 2021-07-30. Review status: criteria provided, single submitter. Criteria: Ambry Variant Classification Scheme 2023. Collection method: clinical testing. Allele origin: germline.
Comment: The p.I296V variant (also known as c.886A>G), located in coding exon 6 of the LMF1 gene, results from an A to G substitution at nucleotide position 886. The isoleucine at codon 296 is replaced by valine, an amino acid with highly similar properties. This amino acid position is conserved. In addition, this alteration is predicted to be tolerated by in silico analysis. Since supporting evidence is limited at this time, the clinical significance of this alteration remains unclear.

NM_022773.4(LMF1):c.886A>G (p.Ile296Val)

Gene: LMF1 (lipase maturation factor 1; minus strand). Cytogenetic location: 16p13.3.
Variant type: single nucleotide variant.
Coding change: c.886A>G on transcript NM_022773.4 (MANE Select); coding-DNA position 886, A replaced by G.
Protein change: p.Ile296Val; replaces isoleucine 296 with valine.
Molecular consequence: missense variant. On other transcripts: non-coding transcript variant (1).
Genome position (GRCh38, 1-based): chr16:879,581, T>C on the plus strand (A>G on the coding strand, the complement: LMF1 is on the minus strand). VCF-style: chr16-879581-T-C. GRCh37 (hg19) VCF-style: chr16-929581-T-C.
Other names: c.235A>G, p.Ile79Val (NM_001352017.2, NM_001352021.2); c.487A>G, p.Ile163Val (NM_001352018.2); c.559A>G, p.Ile187Val (NM_001352019.2); c.886A>G, p.Ile296Val (NM_001352020.1); short protein forms I163V, I187V, I296V, I79V.
Identifiers: ClinVar variation 3227818 (VCV003227818.1), dbSNP rs2544527063, ClinGen allele CA394131372.